The following is an entry in ClinVar:

ClinVar aggregate classification (germline): Uncertain significance. Review status: criteria provided, multiple submitters, no conflicts (2 of 4 stars). 2 submissions from 2 submitters: Uncertain significance (2). Last evaluated 2025-12-02.

Conditions:
Developmental and epileptic encephalopathy, 12 (DEE12). Identifiers: MedGen C3150988, MONDO:0013389, OMIM 613722.
Inborn genetic diseases. Identifiers: MedGen C0950123, MeSH D030342.

Allele frequency attached by ClinVar (database versions not stated): gnomAD exomes below 0.00001.
gnomAD v4.1: 2 of 1,614,104 alleles (0.00012%); highest among the groups gnomAD compares: Middle Eastern, 0.016%; no homozygotes.

Submissions (2):

Ambry Genetics
Classification: Uncertain significance for Inborn genetic diseases. Last evaluated: 2025-12-02. Review status: criteria provided, single submitter. Criteria: Ambry Variant Classification Scheme 2023. Collection method: clinical testing. Allele origin: germline.

Labcorp Genetics (formerly Invitae), Labcorp
Classification: Uncertain significance for Developmental and epileptic encephalopathy, 12. Last evaluated: 2022-11-22. Review status: criteria provided, single submitter. Criteria: Invitae Variant Classification Sherloc (09022015). Collection method: clinical testing. Allele origin: germline.
Comment: In summary, the available evidence is currently insufficient to determine the role of this variant in disease. Therefore, it has been classified as a Variant of Uncertain Significance. Advanced modeling of protein sequence and biophysical properties (such as structural, functional, and spatial information, amino acid conservation, physicochemical variation, residue mobility, and thermodynamic stability) performed at Invitae indicates that this missense variant is expected to disrupt PLCB1 protein function. ClinVar contains an entry for this variant (Variation ID: 945526). This variant has not been reported in the literature in individuals affected with PLCB1-related conditions. This variant is not present in population databases (gnomAD no frequency). This sequence change replaces arginine, which is basic and polar, with histidine, which is basic and polar, at codon 350 of the PLCB1 protein (p.Arg350His).

NM_015192.4(PLCB1):c.1049G>A (p.Arg350His)

Gene: PLCB1 (phospholipase C beta 1; plus strand). Cytogenetic location: 20p12.3.
Variant type: single nucleotide variant.
Coding change: c.1049G>A on transcript NM_015192.4 (MANE Select); coding-DNA position 1049, G replaced by A.
Protein change: p.Arg350His; replaces arginine 350 with histidine.
Molecular consequence: missense variant.
Genome position (GRCh38, 1-based): chr20:8,697,665, G>A. VCF-style: chr20-8697665-G-A. GRCh37 (hg19) VCF-style: chr20-8678312-G-A.
Other names: c.1049G>A (NM_015192.2); c.1049G>A, p.Arg350His (NM_182734.3); short protein forms R350H.
Identifiers: ClinVar variation 945526 (VCV000945526.11), dbSNP rs909616713, ClinGen allele CA311235442.